The following is an entry in ClinVar:

NM_032634.4(PIGO):c.1923C>A (p.Cys641Ter)

Gene: PIGO (phosphatidylinositol glycan anchor biosynthesis class O; minus strand). Cytogenetic location: 9p13.3.
Variant type: single nucleotide variant.
Coding change: c.1923C>A on transcript NM_032634.4 (MANE Select); coding-DNA position 1923, C replaced by A.
Protein change: p.Cys641Ter; replaces cysteine 641 with a stop codon.
Molecular consequence: nonsense. On other transcripts: intron variant (2).
Genome position (GRCh38, 1-based): chr9:35,091,964, G>T on the plus strand (C>A on the coding strand, the complement: PIGO is on the minus strand). VCF-style: chr9-35091964-G-T. GRCh37 (hg19) VCF-style: chr9-35091961-G-T.
Other names: c.1344+579C>A (NM_152850.4, NM_001201484.2); short protein forms C641*.
Identifiers: ClinVar variation 2106509 (VCV002106509.4), dbSNP rs2490450597, ClinGen allele CA373321142.

ClinVar aggregate classification (germline): Pathogenic (1 of 4 stars; one submission).

Conditions:
Hyperphosphatasia with impaired intellectual development syndrome 2. Also called: Hyperphosphatasia with intellectual disability syndrome 2; GLYCOSYLPHOSPHATIDYLINOSITOL BIOSYNTHESIS DEFECT 6. Identifiers: Orphanet 247262, MedGen C3553637, MONDO:0013882, OMIM 614749.

Allele frequency attached by ClinVar (database versions not stated): gnomAD exomes below 0.00001.
gnomAD v4.1: 1 of 1,614,230 alleles (0.000062%); highest among the groups gnomAD compares: Non-Finnish European, 0.000085%; no homozygotes.

Submission:

Labcorp Genetics (formerly Invitae), Labcorp
Classification: Pathogenic for Hyperphosphatasia with impaired intellectual development syndrome 2. Last evaluated: 2024-01-19. Review status: criteria provided, single submitter. Criteria: Invitae Variant Classification Sherloc (09022015). Collection method: clinical testing. Allele origin: germline.
Comment: This sequence change creates a premature translational stop signal (p.Cys641*) in the PIGO gene. It is expected to result in an absent or disrupted protein product. Loss-of-function variants in PIGO are known to be pathogenic (PMID: 22683086, 24417746). This variant is not present in population databases (gnomAD no frequency). This variant has not been reported in the literature in individuals affected with PIGO-related conditions. ClinVar contains an entry for this variant (Variation ID: 2106509). For these reasons, this variant has been classified as Pathogenic.

Literature cited by the submitters: PubMed 22683086; PubMed 24417746.